The following is an entry in ClinVar:

ClinVar aggregate classification (germline): Likely benign (1 of 4 stars; one submission).

Submission:

GeneDx
Classification: Likely benign. Last evaluated: 2017-12-13. Review status: criteria provided, single submitter. Criteria: GeneDx Variant Classification (06012015). Collection method: clinical testing. Allele origin: germline. Affected: yes.
Comment: This variant is considered likely benign or benign based on one or more of the following criteria: it is a conservative change, it occurs at a poorly conserved position in the protein, it is predicted to be benign by multiple in silico algorithms, and/or has population frequency not consistent with disease.

NM_001001995.3(GPM6B):c.771+6C>T

Gene: GPM6B (glycoprotein M6B; minus strand). Cytogenetic location: Xp22.2.
Variant type: single nucleotide variant.
Coding change: c.771+6C>T on transcript NM_001001995.3 (MANE Select); 6 bases into the intron after coding-DNA position 771, C replaced by T.
Molecular consequence: intron variant.
Genome position (GRCh38, 1-based): chrX:13,777,346, G>A on the plus strand (C>T on the coding strand, the complement: GPM6B is on the minus strand). VCF-style: chrX-13777346-G-A. GRCh37 (hg19) VCF-style: chrX-13795465-G-A.
Other names: c.594+6C>T (NM_001318729.2, NM_001001994.3); c.651+6C>T (NM_005278.5); c.771+6C>T (NM_001001996.3).
Identifiers: ClinVar variation 513972 (VCV000513972.1), dbSNP rs1555910377, ClinGen allele CA658799590.